The following is an entry in ClinVar:

NM_000094.4(COL7A1):c.2368G>A (p.Asp790Asn)

Gene: COL7A1 (collagen type VII alpha 1 chain; minus strand). Cytogenetic location: 3p21.31.
Variant type: single nucleotide variant.
Coding change: c.2368G>A on transcript NM_000094.4 (MANE Select); coding-DNA position 2368, G replaced by A.
Protein change: p.Asp790Asn; replaces aspartic acid 790 with asparagine.
Molecular consequence: missense variant.
Genome position (GRCh38, 1-based): chr3:48,588,942, C>T on the plus strand (G>A on the coding strand, the complement: COL7A1 is on the minus strand). VCF-style: chr3-48588942-C-T. GRCh37 (hg19) VCF-style: chr3-48626375-C-T.
Other names: short protein forms D790N.
Identifiers: ClinVar variation 2139323 (VCV002139323.4), dbSNP rs372786023, ClinGen allele CA2380907.
Genomic context (GRCh38, chr3:48,588,942, plus strand): 5'-CCCAGGCCAGTCTGTAAGCTGTGGCTCCAGTGACCCCTACCCAGGTGATCCGTAGAACGT[C>T]GCTGGAAGCATTGAGGATCTGCAGCCTCGACACACGACCCACAGGCTCAGGGGCTGGGGA-3'
Protein context (NP_000085.1, residues 780-800): SRLQILNASS[Asp790Asn]VLRITWVGVT

ClinVar aggregate classification (germline): Uncertain significance. Review status: criteria provided, multiple submitters, no conflicts (2 of 4 stars). 3 submissions from 3 submitters: Uncertain significance (3). Last evaluated 2025-09-21.

Conditions:
Inborn genetic diseases. Identifiers: MedGen C0950123, MeSH D030342.

Allele frequency attached by ClinVar (database versions not stated): gnomAD 0.00003; TOPMed 0.00003; gnomAD exomes 0.00002; ExAC 0.00003; ESP Exome Variant Server 0.00008.
gnomAD v4.1: 38 of 1,613,490 alleles (0.0024%); highest among the groups gnomAD compares: Non-Finnish European, 0.0029%; no homozygotes.

Submissions (3):

Ambry Genetics
Classification: Uncertain significance for Inborn genetic diseases. Last evaluated: 2025-09-21. Review status: criteria provided, single submitter. Criteria: Ambry Variant Classification Scheme 2023. Collection method: clinical testing. Allele origin: germline.

Women's Health and Genetics/Laboratory Corporation of America, LabCorp
Classification: Uncertain significance. Last evaluated: 2024-09-08. Review status: criteria provided, single submitter. Criteria: LabCorp Variant Classification Summary - May 2015. Collection method: clinical testing. Allele origin: germline.

Labcorp Genetics (formerly Invitae), Labcorp
Classification: Uncertain significance. Last evaluated: 2024-08-27. Review status: criteria provided, single submitter. Criteria: Invitae Variant Classification Sherloc (09022015). Collection method: clinical testing. Allele origin: germline.
Comment: This sequence change replaces aspartic acid, which is acidic and polar, with asparagine, which is neutral and polar, at codon 790 of the COL7A1 protein (p.Asp790Asn). This variant is present in population databases (rs372786023, gnomAD 0.007%). This variant has not been reported in the literature in individuals affected with COL7A1-related conditions. ClinVar contains an entry for this variant (Variation ID: 2139323). Invitae Evidence Modeling of protein sequence and biophysical properties (such as structural, functional, and spatial information, amino acid conservation, physicochemical variation, residue mobility, and thermodynamic stability) indicates that this missense variant is not expected to disrupt COL7A1 protein function with a negative predictive value of 95%. In summary, the available evidence is currently insufficient to determine the role of this variant in disease. Therefore, it has been classified as a Variant of Uncertain Significance.